The following is an entry in ClinVar:

NM_001363711.2(DUOX2):c.161-2A>T

Gene: DUOX2 (dual oxidase 2; minus strand). Cytogenetic location: 15q21.1.
Variant type: single nucleotide variant.
Coding change: c.161-2A>T on transcript NM_001363711.2 (MANE Select); the canonical splice acceptor site of the intron before coding-DNA position 161, A replaced by T.
Molecular consequence: splice acceptor variant.
Genome position (GRCh38, 1-based): chr15:45,112,720, T>A on the plus strand (A>T on the coding strand, the complement: DUOX2 is on the minus strand). VCF-style: chr15-45112720-T-A. GRCh37 (hg19) VCF-style: chr15-45404918-T-A.
Other names: c.161-2A>T (NM_014080.5).
Identifiers: ClinVar variation 2792234 (VCV002792234.3), dbSNP rs1894475413, ClinGen allele CA392279971.
Genomic context (GRCh38, chr15:45,112,720, plus strand): 5'-CAGAGCCTGATACACACCGTCGGCGTAATTGGCTGGTACGCGGCGCTGCAACCGGCAGCC[T>A]GCGGAGGCAGGGAGCGGGGCTCTGTCTAAGCACTCCATCCCCTAGGATCCCCCAAACCTC-3'

ClinVar aggregate classification (germline): Likely pathogenic (1 of 4 stars; one submission).

Allele frequency attached by ClinVar (database versions not stated): TOPMed 0.00001.

Submission:

Labcorp Genetics (formerly Invitae), Labcorp
Classification: Likely pathogenic. Last evaluated: 2023-12-03. Review status: criteria provided, single submitter. Criteria: Invitae Variant Classification Sherloc (09022015). Collection method: clinical testing. Allele origin: germline.
Comment: This sequence change affects an acceptor splice site in intron 3 of the DUOX2 gene. It is expected to disrupt RNA splicing. Variants that disrupt the donor or acceptor splice site typically lead to a loss of protein function (PMID: 16199547), and loss-of-function variants in DUOX2 are known to be pathogenic (PMID: 12110737, 18765513, 21565790, 24423310, 24735383). This variant is not present in population databases (gnomAD no frequency). This variant has not been reported in the literature in individuals affected with DUOX2-related conditions. Algorithms developed to predict the effect of sequence changes on RNA splicing suggest that this variant may disrupt the consensus splice site. In summary, the currently available evidence indicates that the variant is pathogenic, but additional data are needed to prove that conclusively. Therefore, this variant has been classified as Likely Pathogenic.

Literature cited by the submitters: PubMed 16199547; PubMed 12110737; PubMed 18765513; PubMed 21565790; PubMed 24423310; PubMed 24735383.